The following is an entry in ClinVar:

ClinVar aggregate classification (germline): Uncertain significance (1 of 4 stars; one submission).

Submission:

Labcorp Genetics (formerly Invitae), Labcorp
Classification: Uncertain significance. Last evaluated: 2022-06-07. Review status: criteria provided, single submitter. Criteria: Invitae Variant Classification Sherloc (09022015). Collection method: clinical testing. Allele origin: germline.
Comment: This sequence change replaces leucine, which is neutral and non-polar, with arginine, which is basic and polar, at codon 250 of the CA2 protein (p.Leu250Arg). This variant is not present in population databases (gnomAD no frequency). This variant has not been reported in the literature in individuals affected with CA2-related conditions. Algorithms developed to predict the effect of missense changes on protein structure and function are either unavailable or do not agree on the potential impact of this missense change (SIFT: "Deleterious"; PolyPhen-2: "Probably Damaging"; Align-GVGD: "Class C0"). In summary, the available evidence is currently insufficient to determine the role of this variant in disease. Therefore, it has been classified as a Variant of Uncertain Significance.

NM_000067.3(CA2):c.749T>G (p.Leu250Arg)

Gene: CA2 (carbonic anhydrase 2; plus strand). Cytogenetic location: 8q21.2.
Variant type: single nucleotide variant.
Coding change: c.749T>G on transcript NM_000067.3 (MANE Select); coding-DNA position 749, T replaced by G.
Protein change: p.Leu250Arg; replaces leucine 250 with arginine.
Molecular consequence: missense variant.
Genome position (GRCh38, 1-based): chr8:85,480,755, T>G. VCF-style: chr8-85480755-T-G. GRCh37 (hg19) VCF-style: chr8-86392984-T-G.
Other names: c.446T>G, p.Leu149Arg (NM_001293675.2); short protein forms L250R, L149R.
Identifiers: ClinVar variation 1931082 (VCV001931082.5), dbSNP rs762203288, ClinGen allele CA180257850.